The following is an entry in ClinVar:

ClinVar aggregate classification (germline): Likely benign. Review status: criteria provided, multiple submitters, no conflicts (2 of 4 stars). 2 submissions from 2 submitters: Likely benign (2). Last evaluated 2023-05-01.

Allele frequency attached by ClinVar (database versions not stated): 1000 Genomes Project 0.00419; 1000 Genomes Project 30x 0.00453; TOPMed 0.00577; gnomAD 0.00822 and 0.00833.

Submissions (2):

CeGaT Center for Human Genetics Tuebingen
Classification: Likely benign. Last evaluated: 2023-05-01. Review status: criteria provided, single submitter. Criteria: CeGaT Center For Human Genetics Tuebingen Variant Classification Criteria Version 2. Collection method: clinical testing. Allele origin: germline. Affected: yes. Observed: 4 variant alleles.
Comment: ANKRD26: BS2

GeneDx
Classification: Likely benign. Last evaluated: 2019-02-11. Review status: criteria provided, single submitter. Criteria: GeneDx Variant Classification Process June 2021. Collection method: clinical testing. Allele origin: germline. Affected: yes.

NM_014915.3(ANKRD26):c.1463-281A>G

Gene: ANKRD26 (ankyrin repeat domain 26; minus strand). Cytogenetic location: 10p12.1.
Variant type: single nucleotide variant.
Coding change: c.1463-281A>G on transcript NM_014915.3 (MANE Select); 281 bases into the intron before coding-DNA position 1463, A replaced by G.
Molecular consequence: intron variant.
Genome position (GRCh38, 1-based): chr10:27,060,821, T>C on the plus strand (A>G on the coding strand, the complement: ANKRD26 is on the minus strand). VCF-style: chr10-27060821-T-C. GRCh37 (hg19) VCF-style: chr10-27349750-T-C.
Other names: c.1463-281A>G (NM_001256053.2).
Identifiers: ClinVar variation 1203120 (VCV001203120.27), dbSNP rs76884124, ClinGen allele CA204421169.